The following is an entry in ClinVar:

ClinVar aggregate classification (germline): Uncertain significance (1 of 4 stars; one submission).

Conditions:
Vitamin B2 deficiency. Identifiers: MedGen C0035528.

gnomAD v4.1: 13 of 1,612,852 alleles (0.00081%); highest among the groups gnomAD compares: South Asian, 0.014%; no homozygotes.

Submission:

Labcorp Genetics (formerly Invitae), Labcorp
Classification: Uncertain significance for Vitamin B2 deficiency. Last evaluated: 2025-03-11. Review status: criteria provided, single submitter. Criteria: Invitae Variant Classification Sherloc (09022015). Collection method: clinical testing. Allele origin: germline.
Comment: This sequence change replaces glutamine, which is neutral and polar, with histidine, which is basic and polar, at codon 82 of the SLC52A1 protein (p.Gln82His). The frequency data for this variant in the population databases is considered unreliable, as metrics indicate poor data quality at this position in the gnomAD database. This variant has not been reported in the literature in individuals affected with SLC52A1-related conditions. Invitae Evidence Modeling of protein sequence and biophysical properties (such as structural, functional, and spatial information, amino acid conservation, physicochemical variation, residue mobility, and thermodynamic stability) indicates that this missense variant is not expected to disrupt SLC52A1 protein function with a negative predictive value of 80%. In summary, the available evidence is currently insufficient to determine the role of this variant in disease. Therefore, it has been classified as a Variant of Uncertain Significance.

NM_017986.4(SLC52A1):c.246G>T (p.Gln82His)

Gene: SLC52A1 (solute carrier family 52 member 1; minus strand). Cytogenetic location: 17p13.2.
Variant type: single nucleotide variant.
Coding change: c.246G>T on transcript NM_017986.4 (MANE Select); coding-DNA position 246, G replaced by T.
Protein change: p.Gln82His; replaces glutamine 82 with histidine.
Molecular consequence: missense variant.
Genome position (GRCh38, 1-based): chr17:5,034,243, C>A on the plus strand (G>T on the coding strand, the complement: SLC52A1 is on the minus strand). VCF-style: chr17-5034243-C-A. GRCh37 (hg19) VCF-style: chr17-4937538-C-A.
Other names: c.246G>T, p.Gln82His (NM_001104577.2); short protein forms Q82H.
Identifiers: ClinVar variation 4738838 (VCV004738838.1).